The following is an entry in ClinVar:

ClinVar aggregate classification (germline): Uncertain significance. Review status: criteria provided, multiple submitters, no conflicts (2 of 4 stars). 2 submissions from 2 submitters: Uncertain significance (2). Last evaluated 2026-01-09.

Submissions (2):

Labcorp Genetics (formerly Invitae), Labcorp
Classification: Uncertain significance. Last evaluated: 2026-01-09. Review status: criteria provided, single submitter. Criteria: Invitae Variant Classification Sherloc (09022015). Collection method: clinical testing. Allele origin: germline.
Comment: This sequence change replaces aspartic acid, which is acidic and polar, with glutamic acid, which is acidic and polar, at codon 136 of the PAFAH1B1 protein (p.Asp136Glu). This variant is not present in population databases (gnomAD no frequency). This variant has not been reported in the literature in individuals affected with PAFAH1B1-related conditions. ClinVar contains an entry for this variant (Variation ID: 3896096). An algorithm developed to predict the effect of missense changes on protein structure and function (PolyPhen-2) suggests that this variant is likely to be disruptive. In summary, the available evidence is currently insufficient to determine the role of this variant in disease. Therefore, it has been classified as a Variant of Uncertain Significance.

Women's Health and Genetics/Laboratory Corporation of America, LabCorp
Classification: Uncertain significance. Last evaluated: 2025-03-19. Review status: criteria provided, single submitter. Criteria: LabCorp Variant Classification Summary - May 2015. Collection method: clinical testing. Allele origin: germline.
Comment: Variant summary: PAFAH1B1 c.408T>G (p.Asp136Glu) results in a conservative amino acid change in the encoded protein sequence. Three of five in-silico tools predict a damaging effect of the variant on protein function. The variant was absent in 251474 control chromosomes (gnomAD). The available data on variant occurrences in the general population are insufficient to allow any conclusion about variant significance. To our knowledge, no occurrence of c.408T>G in individuals affected with PAFAH1B1-Associated Lissencephaly/Subcortical Band Heterotopia and no experimental evidence demonstrating its impact on protein function have been reported. No submitters have cited clinical-significance assessments for this variant to ClinVar. Based on the evidence outlined above, the variant was classified as uncertain significance.

NM_000430.4(PAFAH1B1):c.408T>G (p.Asp136Glu)

Gene: PAFAH1B1 (platelet activating factor acetylhydrolase 1b regulatory subunit 1; plus strand). Cytogenetic location: 17p13.3.
Variant type: single nucleotide variant.
Coding change: c.408T>G on transcript NM_000430.4 (MANE Select); coding-DNA position 408, T replaced by G.
Protein change: p.Asp136Glu; replaces aspartic acid 136 with glutamic acid.
Molecular consequence: missense variant.
Genome position (GRCh38, 1-based): chr17:2,670,171, T>G. VCF-style: chr17-2670171-T-G. GRCh37 (hg19) VCF-style: chr17-2573465-T-G.
Other names: short protein forms D136E.
Identifiers: ClinVar variation 3896096 (VCV003896096.2).